The following is an entry in ClinVar:

NM_001166108.2(PALLD):c.720G>C (p.Arg240Ser)

Gene: PALLD (palladin, cytoskeletal associated protein; plus strand). Cytogenetic location: 4q32.3.
Variant type: single nucleotide variant.
Coding change: c.720G>C on transcript NM_001166108.2 (MANE Select); coding-DNA position 720, G replaced by C.
Protein change: p.Arg240Ser; replaces arginine 240 with serine.
Molecular consequence: missense variant.
Genome position (GRCh38, 1-based): chr4:168,512,224, G>C. VCF-style: chr4-168512224-G-C. GRCh37 (hg19) VCF-style: chr4-169433375-G-C.
Other names: c.720G>C, p.Arg240Ser (NM_016081.4); short protein forms R240S.
Identifiers: ClinVar variation 2448459 (VCV002448459.2), dbSNP rs1762588337, ClinGen allele CA358728062.

ClinVar aggregate classification (germline): Uncertain significance (1 of 4 stars; one submission).

Submission:

Ambry Genetics
Classification: Uncertain significance. Last evaluated: 2022-12-08. Review status: criteria provided, single submitter. Criteria: Ambry Variant Classification Scheme 2023. Collection method: clinical testing. Allele origin: germline.
Comment: The p.R240S variant (also known as c.720G>C), located in coding exon 1 of the PALLD gene, results from a G to C substitution at nucleotide position 720. The arginine at codon 240 is replaced by serine, an amino acid with dissimilar properties. This amino acid position is conserved. In addition, this alteration is predicted to be tolerated by in silico analysis. Since supporting evidence is limited at this time, the clinical significance of this alteration remains unclear.